The following is an entry in ClinVar:

NM_001079858.3(ADGRG2):c.870C>A (p.His290Gln)

Gene: ADGRG2 (adhesion G protein-coupled receptor G2; minus strand). Cytogenetic location: Xp22.13.
Variant type: single nucleotide variant.
Coding change: c.870C>A on transcript NM_001079858.3 (MANE Select); coding-DNA position 870, C replaced by A.
Protein change: p.His290Gln; replaces histidine 290 with glutamine.
Molecular consequence: missense variant.
Genome position (GRCh38, 1-based): chrX:19,013,915, G>T on the plus strand (C>A on the coding strand, the complement: ADGRG2 is on the minus strand). VCF-style: chrX-19013915-G-T. GRCh37 (hg19) VCF-style: chrX-19032033-G-T.
Other names: c.828C>A, p.His276Gln (NM_001079859.3); c.804C>A, p.His268Gln (NM_001079860.3); c.822C>A, p.His274Gln (NM_001184833.2); c.870C>A, p.His290Gln (NM_001184834.2); c.756C>A, p.His252Gln (NM_001184835.2); c.798C>A, p.His266Gln (NM_001184836.2); c.780C>A, p.His260Gln (NM_001184837.2); c.861C>A, p.His287Gln (NM_005756.4); short protein forms H260Q, H268Q, H266Q, H287Q, H252Q, H274Q, H276Q, H290Q.
Identifiers: ClinVar variation 777787 (VCV000777787.7), dbSNP rs35974297, ClinGen allele CA10362626.

ClinVar aggregate classification (germline): Benign. Review status: criteria provided, multiple submitters, no conflicts (2 of 4 stars). 3 submissions from 3 submitters: Benign (2). 1 of the submissions does not count toward it. Last evaluated 2019-12-31.

Conditions:
ADGRG2-related disorder. Also called: ADGRG2-related condition.

Allele frequency attached by ClinVar (database versions not stated): ExAC 0.00667; gnomAD 0.01821 and 0.01921; ESP Exome Variant Server 0.02007; TOPMed 0.02035; 1000 Genomes Project 0.02225; 1000 Genomes Project 30x 0.02268.
gnomAD v4.1: 4,252 of 1,208,174 alleles (0.35%); highest among the groups gnomAD compares: African/African-American, 6.6%; 108 homozygotes.

Submissions (3):

Labcorp Genetics (formerly Invitae), Labcorp
Classification: Benign. Last evaluated: 2019-12-31. Review status: criteria provided, single submitter. Criteria: Invitae Variant Classification Sherloc (09022015). Collection method: clinical testing. Allele origin: germline.

Breakthrough Genomics
Classification: Benign. Review status: criteria provided, single submitter. Criteria: ACMG Guidelines, 2015. Collection method: not provided. Allele origin: germline. Inheritance: X-linked inheritance. Affected: yes.

PreventionGenetics, part of Exact Sciences
Classification: Benign for ADGRG2-related condition. Last evaluated: 2024-05-15. Review status: no assertion criteria provided. Collection method: clinical testing. Allele origin: germline. Not counted in ClinVar's aggregate classification.
Comment: This variant is classified as benign based on ACMG/AMP sequence variant interpretation guidelines (Richards et al. 2015 PMID: 25741868, with internal and published modifications).